The following is an entry in ClinVar:

NM_080680.3(COL11A2):c.3636+13G>T

Gene: COL11A2 (collagen type XI alpha 2 chain; minus strand). Cytogenetic location: 6p21.32.
Variant type: single nucleotide variant.
Coding change: c.3636+13G>T on transcript NM_080680.3 (MANE Select); 13 bases into the intron after coding-DNA position 3636, G replaced by T.
Molecular consequence: intron variant.
Genome position (GRCh38, 1-based): chr6:33,170,034, C>A on the plus strand (G>T on the coding strand, the complement: COL11A2 is on the minus strand). VCF-style: chr6-33170034-C-A. GRCh37 (hg19) VCF-style: chr6-33137811-C-A.
Other names: c.2610+13G>T (NM_001424111.1, NM_001424110.1); c.3315+13G>T (NM_080679.3); c.3378+13G>T (NM_080681.3); c.3456+13G>T (NM_001424108.1); c.2790+13G>T (NM_001424109.1); c.1590+13G>T (NM_001424112.1).
Identifiers: ClinVar variation 2915110 (VCV002915110.5), dbSNP rs376636281, ClinGen allele CA3750435.

ClinVar aggregate classification (germline): Conflicting classifications of pathogenicity. Review status: criteria provided, conflicting classifications (1 of 4 stars). 2 submissions from 2 submitters: Uncertain significance (1); Likely benign (1). Last evaluated 2026-01-18.

Allele frequency attached by ClinVar (database versions not stated): gnomAD exomes 0.00001; gnomAD 0.00003; ExAC 0.00004; 1000 Genomes Project 0.00020; 1000 Genomes Project 30x 0.00031.

Submissions (3):

Labcorp Genetics (formerly Invitae), Labcorp
Classification: Uncertain significance. Last evaluated: 2026-01-18. Review status: criteria provided, single submitter. Criteria: Invitae Variant Classification Sherloc (09022015). Collection method: clinical testing. Allele origin: germline.
Comment: This sequence change falls in intron 49 of the COL11A2 gene. It does not directly change the encoded amino acid sequence of the COL11A2 protein. This variant is present in population databases (rs376636281, gnomAD 0.04%). This variant has not been reported in the literature in individuals affected with COL11A2-related conditions. ClinVar contains an entry for this variant (Variation ID: 2915110). Algorithms developed to predict the effect of sequence changes on RNA splicing suggest that this variant may create or strengthen a splice site. In summary, the available evidence is currently insufficient to determine the role of this variant in disease. Therefore, it has been classified as a Variant of Uncertain Significance.

Blueprint Genetics
Classification: Likely benign. Last evaluated: 2024-09-10. Review status: criteria provided, single submitter. Criteria: ACMG Guidelines, 2015. Collection method: clinical testing. Allele origin: germline.

Dr. Peter K. Rogan Lab, Western University
No classification provided (evidence only). Condition: Malignant lymphoma, large B-cell, diffuse. Review status: no classification provided. Collection method: in vitro. Allele origin: not applicable. Functional consequence: retained intron. Not counted in ClinVar's aggregate classification.